The following is an entry in ClinVar:

NM_002734.5(PRKAR1A):c.458T>C (p.Met153Thr)

Gene: PRKAR1A (protein kinase cAMP-dependent type I regulatory subunit alpha; plus strand). Cytogenetic location: 17q24.2.
Variant type: single nucleotide variant.
Coding change: c.458T>C on transcript NM_002734.5 (MANE Select); coding-DNA position 458, T replaced by C.
Protein change: p.Met153Thr; replaces methionine 153 with threonine.
Molecular consequence: missense variant.
Genome position (GRCh38, 1-based): chr17:68,524,033, T>C. VCF-style: chr17-68524033-T-C. GRCh37 (hg19) VCF-style: chr17-66520174-T-C.
Other names: c.458T>C, p.Met153Thr (NM_001276289.2, NM_001276290.1, NM_001278433.2 and 4 more transcripts); short protein forms M153T.
Identifiers: ClinVar variation 2974633 (VCV002974633.3), dbSNP rs2509407286, ClinGen allele CA400752812.

ClinVar aggregate classification (germline): Uncertain significance (1 of 4 stars; one submission).

Conditions:
Carney complex, type 1 (CNC1). Also called: CARNEY COMPLEX, TYPE I; CARNEY MYXOMA-ENDOCRINE COMPLEX. Identifiers: Orphanet 1359, MedGen C2607929, MONDO:0008057, OMIM 160980.

Allele frequency attached by ClinVar (database versions not stated): gnomAD exomes below 0.00001.

Submission:

Labcorp Genetics (formerly Invitae), Labcorp
Classification: Uncertain significance for Carney complex, type 1. Last evaluated: 2023-04-09. Review status: criteria provided, single submitter. Criteria: Invitae Variant Classification Sherloc (09022015). Collection method: clinical testing. Allele origin: germline.
Comment: In summary, the available evidence is currently insufficient to determine the role of this variant in disease. Therefore, it has been classified as a Variant of Uncertain Significance. Algorithms developed to predict the effect of sequence changes on RNA splicing suggest that this variant may disrupt the consensus splice site. Advanced modeling of protein sequence and biophysical properties (such as structural, functional, and spatial information, amino acid conservation, physicochemical variation, residue mobility, and thermodynamic stability) performed at Invitae indicates that this missense variant is expected to disrupt PRKAR1A protein function. This variant has not been reported in the literature in individuals affected with PRKAR1A-related conditions. This variant is not present in population databases (gnomAD no frequency). This sequence change replaces methionine, which is neutral and non-polar, with threonine, which is neutral and polar, at codon 153 of the PRKAR1A protein (p.Met153Thr).